The following is an entry in ClinVar:

NM_019892.6(INPP5E):c.572C>G (p.Pro191Arg)

Gene: INPP5E (inositol polyphosphate-5-phosphatase E; minus strand). Cytogenetic location: 9q34.3.
Variant type: single nucleotide variant.
Coding change: c.572C>G on transcript NM_019892.6 (MANE Select); coding-DNA position 572, C replaced by G.
Protein change: p.Pro191Arg; replaces proline 191 with arginine.
Molecular consequence: missense variant.
Genome position (GRCh38, 1-based): chr9:136,438,848, G>C on the plus strand (C>G on the coding strand, the complement: INPP5E is on the minus strand). VCF-style: chr9-136438848-G-C. GRCh37 (hg19) VCF-style: chr9-139333300-G-C.
Other names: c.572C>G, p.Pro191Arg (NM_001318502.2); short protein forms P191R.
Identifiers: ClinVar variation 129263 (VCV000129263.29), dbSNP rs61734181, ClinGen allele CA153151.

ClinVar aggregate classification (germline): Benign/Likely benign. Review status: criteria provided, multiple submitters, no conflicts (2 of 4 stars). 6 submissions from 6 submitters: Benign (1); Likely benign (4). 1 of the submissions does not count toward it. Last evaluated 2026-01-25.

Conditions:
Joubert syndrome. Also called: JOUBERT-BOLTSHAUSER SYNDROME; Familial aplasia of the vermis. Identifiers: Orphanet 475, MedGen C5979921, MONDO:0018772.

Allele frequency attached by ClinVar (database versions not stated): gnomAD exomes 0.00058; ExAC 0.00088; ESP Exome Variant Server 0.00217; gnomAD 0.00224 and 0.00243; TOPMed 0.00244; 1000 Genomes Project 0.00359; 1000 Genomes Project 30x 0.00359.
gnomAD v4.1: 701 of 1,604,614 alleles (0.044%); highest among the groups gnomAD compares: African/African-American, 0.8%; 2 homozygotes.

Submissions (6):

Labcorp Genetics (formerly Invitae), Labcorp
Classification: Benign for Joubert syndrome. Last evaluated: 2026-01-25. Review status: criteria provided, single submitter. Criteria: Invitae Variant Classification Sherloc (09022015). Collection method: clinical testing. Allele origin: germline.

CeGaT Center for Human Genetics Tuebingen
Classification: Likely benign. Last evaluated: 2025-07-01. Review status: criteria provided, single submitter. Criteria: CeGaT Center For Human Genetics Tuebingen Variant Classification Criteria Version 2. Collection method: clinical testing. Allele origin: germline. Affected: yes. Observed: 1 variant allele.
Comment: INPP5E: BP4, BS2

Blueprint Genetics
Classification: Likely benign. Last evaluated: 2024-06-05. Review status: criteria provided, single submitter. Criteria: ACMG Guidelines, 2015. Collection method: clinical testing. Allele origin: germline.

GeneDx
Classification: Likely benign. Last evaluated: 2020-09-02. Review status: criteria provided, single submitter. Criteria: GeneDx Variant Classification Process June 2021. Collection method: clinical testing. Allele origin: germline. Affected: yes.

Breakthrough Genomics
Classification: Likely benign. Review status: criteria provided, single submitter. Criteria: ACMG Guidelines, 2015. Collection method: not provided. Allele origin: germline. Inheritance: Autosomal recessive inheritance. Affected: yes.

Genetic Services Laboratory, University of Chicago
Classification: Likely benign for AllHighlyPenetrant. Review status: no assertion criteria provided. Collection method: clinical testing. Allele origin: germline. Inheritance: Autosomal recessive inheritance. Not counted in ClinVar's aggregate classification.
Comment: Likely benign based on allele frequency in 1000 Genomes Project or ESP global frequency and its presence in a patient with a rare or unrelated disease phenotype. NOT Sanger confirmed.